The following is an entry in ClinVar:

NM_001276345.2(TNNT2):c.550A>C (p.Lys184Gln)

Gene: TNNT2 (troponin T2, cardiac type; minus strand). Cytogenetic location: 1q32.1.
Variant type: single nucleotide variant.
Coding change: c.550A>C on transcript NM_001276345.2 (MANE Select); coding-DNA position 550, A replaced by C.
Protein change: p.Lys184Gln; replaces lysine 184 with glutamine.
Molecular consequence: missense variant.
Genome position (GRCh38, 1-based): chr1:201,363,346, T>G on the plus strand (A>C on the coding strand, the complement: TNNT2 is on the minus strand). VCF-style: chr1-201363346-T-G. GRCh37 (hg19) VCF-style: chr1-201332474-T-G.
Other names: c.550A>C, p.Lys184Gln (NM_000364.4, NM_001406723.1); c.520A>C, p.Lys174Gln (NM_001001430.3, NM_001001431.3, NM_001276347.2 and 3 more transcripts); c.505A>C, p.Lys169Gln (NM_001001432.3, NM_001406728.1); c.430A>C, p.Lys144Gln (NM_001276346.2); c.517A>C, p.Lys173Gln (NM_001406725.1); short protein forms K169Q, K173Q, K184Q, K144Q, K174Q.
Identifiers: ClinVar variation 2014174 (VCV002014174.4), dbSNP rs2526975685, ClinGen allele CA344204410.
Genomic context (GRCh38, chr1:201,363,346, plus strand): 5'-CCCTACCTACCTTCTGGATGTAACCCCCAAAATGCATCATGTTGGACAAAGCCTTCTTCT[T>G]CCGGGCCTCATCCTCAGCCTTCCTCCTGTTCTCCTCCTCCTCTCGTCGAGCCCTCTCTTC-3'
Protein context (NP_001263274.1, residues 174-194): NRRKAEDEAR[Lys184Gln]KKALSNMMHF

ClinVar aggregate classification (germline): Uncertain significance (1 of 4 stars; one submission).

Conditions:
Hypertrophic cardiomyopathy 2. Also called: TNNT2-Related Familial Hypertrophic Cardiomyopathy. Identifiers: MedGen C1861864, MONDO:0007266, OMIM 115195.
Dilated cardiomyopathy 1D. Identifiers: Orphanet 154, Orphanet 54260, MedGen C1832243, MONDO:0011095, OMIM 601494.
Cardiomyopathy, familial restrictive, 3. Identifiers: Orphanet 75249, MedGen C2676271, MONDO:0012900, OMIM 612422.

Submission:

Labcorp Genetics (formerly Invitae), Labcorp
Classification: Uncertain significance for Cardiomyopathy, familial restrictive, 3; Hypertrophic cardiomyopathy 2; Dilated cardiomyopathy 1D. Last evaluated: 2022-07-04. Review status: criteria provided, single submitter. Criteria: Invitae Variant Classification Sherloc (09022015). Collection method: clinical testing. Allele origin: germline.
Comment: In summary, the available evidence is currently insufficient to determine the role of this variant in disease. Therefore, it has been classified as a Variant of Uncertain Significance. Algorithms developed to predict the effect of missense changes on protein structure and function are either unavailable or do not agree on the potential impact of this missense change (SIFT: "Deleterious"; PolyPhen-2: "Probably Damaging"; Align-GVGD: "Class C0"). This variant has not been reported in the literature in individuals affected with TNNT2-related conditions. This variant is not present in population databases (gnomAD no frequency). This sequence change replaces lysine, which is basic and polar, with glutamine, which is neutral and polar, at codon 174 of the TNNT2 protein (p.Lys174Gln).